The following is an entry in ClinVar:

NM_001290043.2(TAP2):c.917C>T (p.Ala306Val)

Gene: TAP2 (transporter 2, ATP binding cassette subfamily B member; minus strand). Cytogenetic location: 6p21.32.
Variant type: single nucleotide variant.
Coding change: c.917C>T on transcript NM_001290043.2 (MANE Select); coding-DNA position 917, C replaced by T.
Protein change: p.Ala306Val; replaces alanine 306 with valine.
Molecular consequence: missense variant.
Genome position (GRCh38, 1-based): chr6:32,835,182, G>A on the plus strand (C>T on the coding strand, the complement: TAP2 is on the minus strand). VCF-style: chr6-32835182-G-A. GRCh37 (hg19) VCF-style: chr6-32802959-G-A.
Other names: c.917C>T, p.Ala306Val (NM_000544.3, NM_018833.3); short protein forms A306V.
Identifiers: ClinVar variation 1002564 (VCV001002564.7), dbSNP rs144176825, ClinGen allele CA137003117.

ClinVar aggregate classification (germline): Uncertain significance. Review status: criteria provided, multiple submitters, no conflicts (2 of 4 stars). 2 submissions from 2 submitters: Uncertain significance (2). Last evaluated 2022-10-25.

Conditions:
Inborn genetic diseases. Identifiers: MedGen C0950123, MeSH D030342.
MHC class I deficiency. Identifiers: Orphanet 34592, MedGen C6024714, MONDO:0011476.

Allele frequency attached by ClinVar (database versions not stated): TOPMed 0.00002; ESP Exome Variant Server 0.00012; gnomAD exomes 0.00001 and 0.00002.
gnomAD v4.1: 22 of 1,612,834 alleles (0.0014%); highest among the groups gnomAD compares: East Asian, 0.0045%; no homozygotes.

Submissions (2):

Ambry Genetics
Classification: Uncertain significance for Inborn genetic diseases. Last evaluated: 2022-10-25. Review status: criteria provided, single submitter. Criteria: Ambry Variant Classification Scheme 2023. Collection method: clinical testing. Allele origin: germline.

Labcorp Genetics (formerly Invitae), Labcorp
Classification: Uncertain significance for MHC class I deficiency 1. Last evaluated: 2021-07-13. Review status: criteria provided, single submitter. Criteria: Invitae Variant Classification Sherloc (09022015). Collection method: clinical testing. Allele origin: germline.
Comment: In summary, the available evidence is currently insufficient to determine the role of this variant in disease. Therefore, it has been classified as a Variant of Uncertain Significance. Algorithms developed to predict the effect of missense changes on protein structure and function output the following: SIFT: "Tolerated"; PolyPhen-2: "Not Available"; Align-GVGD: "Class C0". The valine amino acid residue is found in multiple mammalian species, suggesting that this missense change does not adversely affect protein function. These predictions have not been confirmed by published functional studies and their clinical significance is uncertain. This variant has not been reported in the literature in individuals with TAP2-related conditions. This variant is not present in population databases (ExAC no frequency). This sequence change replaces alanine with valine at codon 306 of the TAP2 protein (p.Ala306Val). The alanine residue is highly conserved and there is a small physicochemical difference between alanine and valine.